The following is an entry in ClinVar:

ClinVar aggregate classification (germline): Uncertain significance (1 of 4 stars; one submission).

Conditions:
Charcot-Marie-Tooth disease axonal type 2O. Also called: Charcot-Marie-Tooth disease, axonal, type 20; CHARCOT-MARIE-TOOTH NEUROPATHY, AXONAL, TYPE 2O; CHARCOT-MARIE-TOOTH DISEASE, AXONAL, AUTOSOMAL DOMINANT, TYPE 2O; Charcot-Marie-Tooth Neuropathy Type 2O. Identifiers: Orphanet 284232, MedGen C3280220, MONDO:0013644, OMIM 614228.

Submission:

Labcorp Genetics (formerly Invitae), Labcorp
Classification: Uncertain significance for Charcot-Marie-Tooth disease axonal type 2O. Last evaluated: 2024-10-24. Review status: criteria provided, single submitter. Criteria: Invitae Variant Classification Sherloc (09022015). Collection method: clinical testing. Allele origin: germline.
Comment: This sequence change creates a premature translational stop signal (p.Ile2108Glufs*5) in the DYNC1H1 gene. It is expected to result in an absent or disrupted protein product. However, the current clinical and genetic evidence is not sufficient to establish whether loss-of-function variants in DYNC1H1 cause disease. This variant is not present in population databases (gnomAD no frequency). This variant has not been reported in the literature in individuals affected with DYNC1H1-related conditions. In summary, the available evidence is currently insufficient to determine the role of this variant in disease. Therefore, it has been classified as a Variant of Uncertain Significance.

NM_001376.5(DYNC1H1):c.6320_6321dup (p.Ile2108fs)

Gene: DYNC1H1 (dynein cytoplasmic 1 heavy chain 1; plus strand). Cytogenetic location: 14q32.31.
Variant type: Microsatellite.
Coding change: c.6320_6321dup on transcript NM_001376.5 (MANE Select); coding-DNA positions 6320 to 6321, 2 bases duplicated (GA; older notation c.6320_6321dupGA).
Protein change: p.Ile2108fs; shifts the reading frame from isoleucine 2108.
Molecular consequence: frameshift variant.
Genome position (GRCh38, 1-based): chr14:102,010,374-102,010,375, GA duplicated; duplicating any 2 consecutive bases within chr14:102,010,365-102,010,375 gives the same sequence; the c. name uses the placement nearest the transcript's 3' end. VCF-style (leftmost placement, unchanged base first): chr14-102010364-A-AAG. GRCh37 (hg19) VCF-style: chr14-102476701-A-AAG.
Other names: short protein forms I2108fs.
Identifiers: ClinVar variation 3723378 (VCV003723378.2).
Genomic context (GRCh38, chr14:102,010,364, plus strand): 5'-AGCCATTATGACTTCGGTCTTCGGGCTTTGAAGAGTGTGCTGGTGAGTGCAGGCAATGTG[A>AAG]AGAGAGAGAGAATCCAGAAGATAAAGAGGGAGAAAGAGGAACGAGGGGAAGCAGTTGATG-3'